The following is an entry in ClinVar:

NM_003072.5(SMARCA4):c.356-5T>G

Gene: SMARCA4 (SWI/SNF related BAF chromatin remodeling complex subunit ATPase 4; plus strand). Cytogenetic location: 19p13.2.
Variant type: single nucleotide variant.
Coding change: c.356-5T>G on transcript NM_003072.5 (MANE Select); 5 bases into the intron before coding-DNA position 356, T replaced by G.
Molecular consequence: intron variant.
Genome position (GRCh38, 1-based): chr19:10,986,184, T>G. VCF-style: chr19-10986184-T-G. GRCh37 (hg19) VCF-style: chr19-11096860-T-G.
Other names: c.356-5T>G (NM_001128844.3, NM_001128849.3, NM_001128847.4 and 6 more transcripts).
Identifiers: ClinVar variation 4170177 (VCV004170177.1).

ClinVar aggregate classification (germline): Uncertain significance (1 of 4 stars; one submission).

Conditions:
Hereditary cancer-predisposing syndrome. Also called: Neoplastic Syndromes, Hereditary; Tumor predisposition; Hereditary Cancer Syndrome; Hereditary neoplastic syndrome. Identifiers: Orphanet 140162, MedGen C0027672, MeSH D009386, MONDO:0015356.

Submission:

Ambry Genetics
Classification: Uncertain significance for Hereditary cancer-predisposing syndrome. Last evaluated: 2025-08-19. Review status: criteria provided, single submitter. Criteria: Ambry Variant Classification Scheme 2023. Collection method: clinical testing. Allele origin: germline.
Comment: The c.356-5T>G intronic variant results from a T to G substitution 5 nucleotides upstream from coding exon 3 in the SMARCA4 gene. This nucleotide position is not well conserved in available vertebrate species. In silico splice site analysis predicts that this alteration will not have any significant effect on splicing. Based on the available evidence, the clinical significance of this variant remains unclear.